The following is an entry in ClinVar:

Conditions:
Breast-ovarian cancer, familial, susceptibility to, 1 (BROVCA1). Also called: BRCA1 Hereditary Breast and Ovarian Cancer; OVARIAN CANCER, SUSCEPTIBILITY TO. Identifiers: Orphanet 145, MedGen C2676676, MONDO:0011450, OMIM 604370. Disease mechanism: loss of function.

Submission:

Brotman Baty Institute, University of Washington
No classification provided (evidence only). Condition: Breast-ovarian cancer, familial 1. Review status: no classification provided. Collection method: in vitro. Allele origin: not applicable. Functional consequence: functionally_normal.
ClinVar note: "not provided" was previously submitted as the classification for the variant. However, the classification appeared to be based only on an observation of functional data so it was converted to no classification on 2025-07-30.

NM_007294.4(BRCA1):c.106T>G (p.Ser36Ala)

Gene: BRCA1 (BRCA1 DNA repair associated; minus strand). Cytogenetic location: 17q21.31.
Variant type: single nucleotide variant.
Coding change: c.106T>G on transcript NM_007294.4 (MANE Select); coding-DNA position 106, T replaced by G.
Protein change: p.Ser36Ala; replaces serine 36 with alanine.
Molecular consequence: missense variant. On other transcripts: non-coding transcript variant (1), intron variant (1).
Genome position (GRCh38, 1-based): chr17:43,115,754, A>C on the plus strand (T>G on the coding strand, the complement: BRCA1 is on the minus strand). VCF-style: chr17-43115754-A-C. GRCh37 (hg19) VCF-style: chr17-41267771-A-C.
Other names: c.106T>G, p.Ser36Ala (NM_001407623.1, NM_001407624.1, NM_001407625.1 and 192 more transcripts); c.-152T>G (NM_001407731.1, NM_001407733.1, NM_001407746.1 and 13 more transcripts); c.-36T>G (NM_001407734.1, NM_001407735.1, NM_001407737.1 and 47 more transcripts); c.-32T>G (NM_001407841.1); c.-83T>G (NM_001407853.1, NM_001407879.1, NM_001407882.1 and 52 more transcripts); c.-199T>G (NM_001407889.1, NM_001407900.1, NM_001408492.1); c.-198T>G (NM_001407960.1, NM_001407962.1, NM_001408510.1 and 1 more transcripts); c.-314T>G (NM_001407965.1); and 2 more; short protein forms S36A.
Identifiers: ClinVar variation 868144 (VCV000868144.3), dbSNP rs905812561, ClinGen allele CA10601941.